The following is an entry in ClinVar:

NM_001283041.3(USP25):c.1640T>C (p.Val547Ala)

Gene: USP25 (ubiquitin specific peptidase 25; plus strand). Cytogenetic location: 21q21.1.
Variant type: single nucleotide variant.
Coding change: c.1640T>C on transcript NM_001283041.3 (MANE Select); coding-DNA position 1640, T replaced by C.
Protein change: p.Val547Ala; replaces valine 547 with alanine.
Molecular consequence: missense variant.
Genome position (GRCh38, 1-based): chr21:15,827,150, T>C. VCF-style: chr21-15827150-T-C. GRCh37 (hg19) VCF-style: chr21-17199469-T-C.
Other names: c.1640T>C, p.Val547Ala (NM_001283042.3, NM_013396.6); c.977T>C, p.Val326Ala (NM_001352560.2, NM_001388299.1); c.428T>C, p.Val143Ala (NM_001352561.2, NM_001388300.1, NM_001388301.1 and 1 more transcripts); short protein forms V143A, V326A, V547A.
Identifiers: ClinVar variation 4531764 (VCV004531764.1).
Genomic context (GRCh38, chr21:15,827,150, plus strand): 5'-TACCTCCAGATTTGCCCATGCATCCGGCACCAAGGCACATAACGGAGGAAGAACTTTCTG[T>C]GCTGGAAAGTTGTTTACATCGCTGGAGGACAGAAATAGAAAATGACACCAGAGGTAAGAA-3'
Protein context (NP_001269970.1, residues 537-557): PRHITEEELS[Val547Ala]LESCLHRWRT

ClinVar aggregate classification (germline): Uncertain significance (1 of 4 stars; one submission).

Conditions:
Idiopathic generalized epilepsy. Also called: EIG; Generalised epilepsy. Identifiers: MedGen C0270850, MONDO:0005579, OMIM 600669.

Submission:

Victorian Clinical Genetics Services, Murdoch Childrens Research Institute
Classification: Uncertain significance for Idiopathic generalized epilepsy. Last evaluated: 2024-12-27. Review status: criteria provided, single submitter. Criteria: ACMG Guidelines, 2015. Collection method: clinical testing. Allele origin: germline. Affected: yes.
Comment: This variant is classified as VUS-3B. Evidence in support of pathogenic classification: Variant is absent from gnomAD (v2, v3 and v4). Additional information: Variant is predicted to result in a missense amino acid change from valine to alanine; This variant is heterozygous; This gene is associated with autosomal dominant disease; Alternative amino acid change(s) at the same position are present in gnomAD (Highest allele count: v4: 2 heterozygote(s), 0 homozygote(s)); This variant has no previous evidence of pathogenicity; No published segregation evidence has been identified for this variant; No published functional evidence has been identified for this variant; No comparable missense variants have previous evidence for pathogenicity; Variant is located in the annotated ubiquitin carboxyl-terminal hydrolase domain (DECIPHER); Missense variant with inconclusive in silico prediction and uninformative conservation; The mechanism of disease for this gene is not clearly established. However, both loss of function and gain of function have been suggested (PMID: 38875478); Inheritance information for this variant is not currently available in this individual.

Literature cited by the submitters: PubMed 38875478.